The following is an entry in ClinVar:

NM_000038.6(APC):c.7032A>C (p.Gln2344His)

Gene: APC (APC regulator of Wnt signaling pathway; plus strand). Cytogenetic location: 5q22.2.
Variant type: single nucleotide variant.
Coding change: c.7032A>C on transcript NM_000038.6 (MANE Select); coding-DNA position 7032, A replaced by C.
Protein change: p.Gln2344His; replaces glutamine 2344 with histidine.
Molecular consequence: missense variant.
Genome position (GRCh38, 1-based): chr5:112,842,626, A>C. VCF-style: chr5-112842626-A-C. GRCh37 (hg19) VCF-style: chr5-112178323-A-C.
Other names: c.7032A>C, p.Gln2344His (NM_001127510.3, NM_001354895.2); c.6978A>C, p.Gln2326His (NM_001127511.3); c.7086A>C, p.Gln2362His (NM_001354896.2); c.7062A>C, p.Gln2354His (NM_001354897.2); c.6957A>C, p.Gln2319His (NM_001354898.2); c.6948A>C, p.Gln2316His (NM_001354899.2); c.6909A>C, p.Gln2303His (NM_001354900.2); c.6855A>C, p.Gln2285His (NM_001354901.2); and 5 more; short protein forms Q2061H, Q2218H, Q2354H, Q2243H, Q2253H, Q2285H, Q2303H, Q2316H.
Identifiers: ClinVar variation 653784 (VCV000653784.10), dbSNP rs753728632, ClinGen allele CA16036660.

ClinVar aggregate classification (germline): Uncertain significance. Review status: criteria provided, multiple submitters, no conflicts (2 of 4 stars). 2 submissions from 2 submitters: Uncertain significance (2). Last evaluated 2025-01-08.

Conditions:
Familial adenomatous polyposis 1 (FAP1). Also called: POLYPOSIS, ADENOMATOUS INTESTINAL; FAMILIAL ADENOMATOUS POLYPOSIS 1, ATTENUATED. Identifiers: MedGen C2713442, MONDO:0021056, OMIM 175100. Disease mechanism: loss of function.
Hereditary cancer-predisposing syndrome. Also called: Neoplastic Syndromes, Hereditary; Tumor predisposition; Hereditary Cancer Syndrome; Hereditary neoplastic syndrome. Identifiers: Orphanet 140162, MedGen C0027672, MeSH D009386, MONDO:0015356.

Submissions (2):

Ambry Genetics
Classification: Uncertain significance for Hereditary cancer-predisposing syndrome. Last evaluated: 2025-01-08. Review status: criteria provided, single submitter. Criteria: Ambry Variant Classification Scheme 2023. Collection method: clinical testing. Allele origin: germline.
Comment: The p.Q2344H variant (also known as c.7032A>C), located in coding exon 15 of the APC gene, results from an A to C substitution at nucleotide position 7032. The glutamine at codon 2344 is replaced by histidine, an amino acid with highly similar properties. This amino acid position is highly conserved in available vertebrate species. In addition, in silico predictors for this gene do not accurately predict pathogenicity. Missense alterations in APC are not a common cause of disease (Spier I et al. Genet Med. 2024 Feb;26(2):100992). Based on the available evidence, the clinical significance of this variant remains unclear.

Labcorp Genetics (formerly Invitae), Labcorp
Classification: Uncertain significance for Familial adenomatous polyposis 1. Last evaluated: 2021-08-27. Review status: criteria provided, single submitter. Criteria: Invitae Variant Classification Sherloc (09022015). Collection method: clinical testing. Allele origin: germline.
Comment: This sequence change replaces glutamine with histidine at codon 2344 of the APC protein (p.Gln2344His). The glutamine residue is highly conserved and there is a small physicochemical difference between glutamine and histidine. This variant is not present in population databases (ExAC no frequency). This variant has not been reported in the literature in individuals affected with APC-related conditions. Algorithms developed to predict the effect of missense changes on protein structure and function are either unavailable or do not agree on the potential impact of this missense change (SIFT: "Tolerated"; PolyPhen-2: "Probably Damaging"; Align-GVGD: "Class C0"). In summary, the available evidence is currently insufficient to determine the role of this variant in disease. Therefore, it has been classified as a Variant of Uncertain Significance.